The following is an entry in ClinVar:

NM_005751.5(AKAP9):c.1529A>G (p.Glu510Gly)

Gene: AKAP9 (A-kinase anchoring protein 9; plus strand). Cytogenetic location: 7q21.2.
Variant type: single nucleotide variant.
Coding change: c.1529A>G on transcript NM_005751.5 (MANE Select); coding-DNA position 1529, A replaced by G.
Protein change: p.Glu510Gly; replaces glutamic acid 510 with glycine.
Molecular consequence: missense variant.
Genome position (GRCh38, 1-based): chr7:92,001,446, A>G. VCF-style: chr7-92001446-A-G. GRCh37 (hg19) VCF-style: chr7-91630760-A-G.
Other names: c.1529A>G, p.Glu510Gly (NM_147185.3); short protein forms E510G.
Identifiers: ClinVar variation 3848805 (VCV003848805.1).
Genomic context (GRCh38, chr7:92,001,446, plus strand): 5'-TAATGAATGTGGCAATAAATGAACTGAATATAAAATTGCAAGATACTAACTCTCAAAAGG[A>G]AAAACTCAAGGAAGAACTAGGACTAATTTTAGAAGAAAAGTGTGCTCTACAGAGACAGCT-3'
Protein context (NP_005742.4, residues 500-520): IKLQDTNSQK[Glu510Gly]KLKEELGLIL

ClinVar aggregate classification (germline): Uncertain significance (1 of 4 stars; one submission).

Conditions:
Cardiovascular phenotype. Identifiers: MedGen CN230736.

gnomAD v4.1: 9 of 1,613,774 alleles (0.00056%); highest among the groups gnomAD compares: Non-Finnish European, 0.00076%; no homozygotes.

Submission:

Ambry Genetics
Classification: Uncertain significance for Cardiovascular phenotype. Last evaluated: 2025-03-14. Review status: criteria provided, single submitter. Criteria: Ambry Variant Classification Scheme 2023. Collection method: clinical testing. Allele origin: germline.
Comment: The p.E510G variant (also known as c.1529A>G), located in coding exon 8 of the AKAP9 gene, results from an A to G substitution at nucleotide position 1529. The glutamic acid at codon 510 is replaced by glycine, an amino acid with similar properties. This amino acid position is well conserved in available vertebrate species. In addition, the in silico prediction for this alteration is inconclusive. Based on the available evidence, the clinical significance of this variant remains unclear.